The following is an entry in ClinVar:

ClinVar aggregate classification (germline): Benign/Likely benign. Review status: criteria provided, multiple submitters, no conflicts (2 of 4 stars). 3 submissions from 3 submitters: Benign (1); Likely benign (2). Last evaluated 2019-12-31.

Conditions:
Long QT syndrome (LQTS). Identifiers: MedGen C0023976, MeSH D008133, MONDO:0002442. Disease mechanism: loss of function. Inheritance: Various modes of inheritance.

Allele frequency attached by ClinVar (database versions not stated): 1000 Genomes Project 30x 0.01156; 1000 Genomes Project 0.01178; gnomAD 0.02989 and 0.03118; TOPMed 0.03011.
gnomAD v4.1: 4,601 of 152,288 alleles (3%); highest among the groups gnomAD compares: Non-Finnish European, 4.6%; 105 homozygotes.

Submissions (3):

Labcorp Genetics (formerly Invitae), Labcorp
Classification: Benign for Long QT syndrome. Last evaluated: 2019-12-31. Review status: criteria provided, single submitter. Criteria: Invitae Variant Classification Sherloc (09022015). Collection method: clinical testing. Allele origin: germline.

GeneDx
Classification: Likely benign. Last evaluated: 2018-06-14. Review status: criteria provided, single submitter. Criteria: GeneDx Variant Classification (06012015). Collection method: clinical testing. Allele origin: germline. Affected: yes.
Comment: This variant is considered likely benign or benign based on one or more of the following criteria: it is a conservative change, it occurs at a poorly conserved position in the protein, it is predicted to be benign by multiple in silico algorithms, and/or has population frequency not consistent with disease.

Breakthrough Genomics
Classification: Likely benign. Review status: criteria provided, single submitter. Criteria: ACMG Guidelines, 2015. Collection method: not provided. Allele origin: germline. Inheritance: Autosomal dominant inheritance. Affected: yes.

NM_000719.7(CACNA1C):c.1482-177A>G

Gene: CACNA1C (calcium voltage-gated channel subunit alpha1 C; plus strand). Cytogenetic location: 12p13.33.
Variant type: single nucleotide variant.
Coding change: c.1482-177A>G on transcript NM_000719.7 (MANE Select); 177 bases into the intron before coding-DNA position 1482, A replaced by G.
Molecular consequence: intron variant.
Genome position (GRCh38, 1-based): chr12:2,556,774, A>G. VCF-style: chr12-2556774-A-G. GRCh37 (hg19) VCF-style: chr12-2665940-A-G.
Other names: c.1482-177A>G (NM_001167624.3, NM_001167623.2, NM_001167625.2 and 18 more transcripts); c.1473-177A>G (NM_001129844.2).
Identifiers: ClinVar variation 671971 (VCV000671971.6), dbSNP rs117791272, ClinGen allele CA16434474.